The following is an entry in ClinVar:

ClinVar aggregate classification (germline): Pathogenic (1 of 4 stars; one submission).

Conditions:
Rare genetic deafness. Identifiers: Orphanet 96210, MedGen C5680250.

Submission:

Laboratory for Molecular Medicine, Mass General Brigham Personalized Medicine
Classification: Pathogenic for Rare genetic deafness. Last evaluated: 2012-06-09. Review status: criteria provided, single submitter. Criteria: LMM Criteria. Collection method: clinical testing. Allele origin: germline. Inheritance: Autosomal recessive inheritance. Observed: 1 variant allele.
Comment: The (?_1645)_(1840_?)del variant in USH2A has not been reported in the literatur e nor previously identified by our laboratory. This variant is a deletion of exo n 10 of USH2A and is predicted to result in an absent or truncated protein. Seve ral large deletions that span one or more exons of the USH2A gene have been repo rted in probands affected with Usher syndrome type II (Bernal 2005, Baux 2007, D reyer 2008, Stabej 2012). In summary, this variant meets our classification to b e classified as pathogenic.

Literature cited by the submitters: PubMed 16098008; PubMed 17405132; PubMed 18273898; PubMed 22135276.

NM_206933.2(USH2A):c.(?_1645)_(1840_?)del

Gene: USH2A (usherin; minus strand). Cytogenetic location: 1q41.
Variant type: Deletion.
Coding change: c.(?_1645)_(1840_?)del on transcript NM_206933.2; a large deletion whose breakpoints are not mapped to the base.
Identifiers: ClinVar variation 178657 (VCV000178657.5).